The following is an entry in ClinVar:

ClinVar aggregate classification (germline): Uncertain significance (1 of 4 stars; one submission).

Submission:

Greenwood Genetic Center Diagnostic Laboratories, Greenwood Genetic Center
Classification: Uncertain significance. Last evaluated: 2022-01-18. Review status: criteria provided, single submitter. Criteria: ACMG Guidelines, 2015. Collection method: clinical testing. Allele origin: germline. Affected: yes.
Comment: Gene of Uncertain Significance

NM_032808.7(LINGO1):c.244C>T (p.Arg82Cys)

Gene: LINGO1 (leucine rich repeat and Ig domain containing 1; minus strand). Cytogenetic location: 15q24.3.
Variant type: single nucleotide variant.
Coding change: c.244C>T on transcript NM_032808.7 (MANE Select); coding-DNA position 244, C replaced by T.
Protein change: p.Arg82Cys; replaces arginine 82 with cysteine.
Molecular consequence: missense variant.
Genome position (GRCh38, 1-based): chr15:77,615,663, G>A on the plus strand (C>T on the coding strand, the complement: LINGO1 is on the minus strand). VCF-style: chr15-77615663-G-A. GRCh37 (hg19) VCF-style: chr15-77908005-G-A.
Other names: c.226C>T, p.Arg76Cys (NM_001301186.2, NM_001301187.2, NM_001301189.2 and 8 more transcripts); short protein forms R76C, R82C.
Identifiers: ClinVar variation 1676527 (VCV001676527.3), dbSNP rs2142484967, ClinGen allele CA393538313.
Genomic context (GRCh38, chr15:77,615,663, plus strand): 5'-GCTCCAGCTCCTCCAGGTGCGGGAAGCTGGCGAACTCGTCCTGGTTGAGCGTTTTGATGC[G>A]GTTCTTGCCTAGGTCCAGCAGGCGCGTCTCGGTGGGGATGCCCTCGGGGACTGCCACAAA-3'
Protein context (NP_116197.4, residues 72-92): ETRLLDLGKN[Arg82Cys]IKTLNQDEFA